The following is an entry in ClinVar:

NM_133259.4(LRPPRC):c.3957del (p.Ala1320fs)

Gene: LRPPRC (leucine rich pentatricopeptide repeat containing; minus strand). Cytogenetic location: 2p21.
Variant type: Deletion.
Coding change: c.3957del on transcript NM_133259.4 (MANE Select); coding-DNA position 3957, one base deleted (A; older notation c.3957delA).
Protein change: p.Ala1320fs; shifts the reading frame from alanine 1320.
Molecular consequence: frameshift variant.
Genome position (GRCh38, 1-based): chr2:43,894,573, T deleted on the plus strand (A on the coding strand, the reverse complement: LRPPRC is on the minus strand); the first of 2 consecutive T bases (chr2:43,894,573-43,894,574); deleting either gives the same sequence. VCF-style (leftmost placement, unchanged base first): chr2-43894572-CT-C. GRCh37 (hg19) VCF-style: chr2-44121711-CT-C.
Other names: short protein forms A1320fs.
Identifiers: ClinVar variation 1724466 (VCV001724466.2), dbSNP rs2466354524, ClinGen allele CA2580066469.

ClinVar aggregate classification (germline): Likely pathogenic (1 of 4 stars; one submission).

Conditions:
Congenital lactic acidosis, Saguenay-Lac-Saint-Jean type (MC4DN5). Also called: MITOCHONDRIAL COMPLEX IV DEFICIENCY, NUCLEAR TYPE 5; CYTOCHROME c OXIDASE DEFICIENCY, FRENCH CANADIAN TYPE; COX DEFICIENCY, FRENCH CANADIAN TYPE. Identifiers: Orphanet 70472, MedGen C1857355, MONDO:0009069, OMIM 220111.

Submission:

Myriad Genetics, Inc.
Classification: Likely pathogenic for Congenital lactic acidosis, Saguenay-Lac-Saint-Jean type. Last evaluated: 2022-02-17. Review status: criteria provided, single submitter. Criteria: Myriad Women's Health Autosomal Recessive and X-Linked Classification Criteria (2021). Collection method: clinical testing. Allele origin: unknown.
Comment: NM_133259.3(LRPPRC):c.3957delA(A1320Hfs*6) is expected to be pathogenic in the context of Leigh syndrome, French-Canadian type. This variant is predicted to lead to an abnormal or absent protein product due to the creation of a premature termination codon in LRPPRC, a gene where loss-of-function variants are known to be pathogenic. Please note: this variant was assessed in the context of healthy population screening.